The following is an entry in ClinVar:

NM_005198.5(CHKB):c.1008A>T (p.Glu336Asp)

Genes: CHKB-CPT1B (CHKB-CPT1B readthrough (NMD candidate); minus strand), CHKB (choline kinase beta; minus strand). Cytogenetic location: 22q13.33.
Variant type: single nucleotide variant.
Coding change: c.1008A>T on transcript NM_005198.5 (MANE Select); coding-DNA position 1008, A replaced by T.
Protein change: p.Glu336Asp; replaces glutamic acid 336 with aspartic acid.
Molecular consequence: missense variant. On other transcripts: non-coding transcript variant (1).
Genome position (GRCh38, 1-based): chr22:50,579,750, T>A on the plus strand (A>T on the coding strand, the complement: CHKB is on the minus strand). VCF-style: chr22-50579750-T-A. GRCh37 (hg19) VCF-style: chr22-51018179-T-A.
Other names: short protein forms E336D.
Identifiers: ClinVar variation 1466343 (VCV001466343.7), dbSNP rs559736493, ClinGen allele CA10323544.

ClinVar aggregate classification (germline): Uncertain significance (1 of 4 stars; one submission).

Conditions:
Megaconial type congenital muscular dystrophy (MDCMC). Also called: CHKB-Related Muscular Dystrophy; MUSCULAR DYSTROPHY, CONGENITAL, WITH MITOCHONDRIAL STRUCTURAL ABNORMALITIES; CHKB-Related Muscle Diseases. Identifiers: Orphanet 280671, MedGen C1865233, MONDO:0011246, OMIM 602541.

Allele frequency attached by ClinVar (database versions not stated): ExAC 0.00001; gnomAD exomes 0.00002; gnomAD 0.00003; TOPMed 0.00005.
gnomAD v4.1: 25 of 1,613,918 alleles (0.0015%); highest among the groups gnomAD compares: African/African-American, 0.0053%; no homozygotes.

Submission:

Labcorp Genetics (formerly Invitae), Labcorp
Classification: Uncertain significance for Megaconial type congenital muscular dystrophy. Last evaluated: 2022-07-05. Review status: criteria provided, single submitter. Criteria: Invitae Variant Classification Sherloc (09022015). Collection method: clinical testing. Allele origin: germline.
Comment: This sequence change replaces glutamic acid, which is acidic and polar, with aspartic acid, which is acidic and polar, at codon 336 of the CHKB protein (p.Glu336Asp). This variant is present in population databases (rs559736493, gnomAD 0.004%). This variant has not been reported in the literature in individuals affected with CHKB-related conditions. ClinVar contains an entry for this variant (Variation ID: 1466343). Algorithms developed to predict the effect of missense changes on protein structure and function (SIFT, PolyPhen-2, Align-GVGD) all suggest that this variant is likely to be tolerated. In summary, the available evidence is currently insufficient to determine the role of this variant in disease. Therefore, it has been classified as a Variant of Uncertain Significance.